The following is an entry in ClinVar:

ClinVar aggregate classification (germline): Uncertain significance. Review status: criteria provided, multiple submitters, no conflicts (2 of 4 stars). 2 submissions from 2 submitters: Uncertain significance (2). Last evaluated 2025-12-16.

Conditions:
Early-infantile DEE. Also called: Early infantile epileptic encephalopathy; Ohtahara syndrome; Early infantile epileptic encephalopathy with suppression bursts. Identifiers: Orphanet 1934, MedGen C0393706, MONDO:0800491.

Submissions (2):

Labcorp Genetics (formerly Invitae), Labcorp
Classification: Uncertain significance for Early-infantile DEE. Last evaluated: 2025-12-16. Review status: criteria provided, single submitter. Criteria: Invitae Variant Classification Sherloc (09022015). Collection method: clinical testing. Allele origin: germline.
Comment: This sequence change replaces serine, which is neutral and polar, with cysteine, which is neutral and slightly polar, at codon 414 of the KCNQ2 protein (p.Ser414Cys). This variant is not present in population databases (gnomAD no frequency). This variant has not been reported in the literature in individuals affected with KCNQ2-related conditions. ClinVar contains an entry for this variant (Variation ID: 449179). Invitae Evidence Modeling of protein sequence and biophysical properties (such as structural, functional, and spatial information, amino acid conservation, physicochemical variation, residue mobility, and thermodynamic stability) indicates that this missense variant is expected to disrupt KCNQ2 protein function with a positive predictive value of 95%. In summary, the available evidence is currently insufficient to determine the role of this variant in disease. Therefore, it has been classified as a Variant of Uncertain Significance.

GeneDx
Classification: Uncertain significance. Last evaluated: 2017-07-28. Review status: criteria provided, single submitter. Criteria: GeneDx Variant Classification (06012015). Collection method: clinical testing. Allele origin: germline. Affected: yes.
Comment: A variant of uncertain significance has been identified in the KCNQ2 gene. The S414C variant has not been published as a pathogenic variant, nor has it been reported as a benign variant to our knowledge. It was not observed in approximately 6,400 individuals of European and African American ancestry in an external variant database, indicating it is not a common benign variant in these populations. The S414C variant is a non-conservative amino acid substitution, which is likely to impact secondary protein structure as these residues differ in polarity, charge, size and/or other properties. This substitution occurs at a position where amino acids with similar properties to Serine are tolerated across species that is predicted to be within the C-terminal cytoplasmic domain of the KCNQ2 protein. In silico analysis predicts this variant is probably damaging to the protein structure/function. However, missense variants in nearby residues have not been reported in the Human Gene Mutation Database in association with KCNQ2-related disorders (Stenson et al., 2014). Therefore, based on the currently available information, it is unclear whether this variant is a pathogenic variant or a rare benign variant.

NM_172107.4(KCNQ2):c.1241C>G (p.Ser414Cys)

Gene: KCNQ2 (potassium voltage-gated channel subfamily Q member 2; minus strand). Cytogenetic location: 20q13.33.
Variant type: single nucleotide variant.
Coding change: c.1241C>G on transcript NM_172107.4 (MANE Select); coding-DNA position 1241, C replaced by G.
Protein change: p.Ser414Cys; replaces serine 414 with cysteine.
Molecular consequence: missense variant.
Genome position (GRCh38, 1-based): chr20:63,424,183, G>C on the plus strand (C>G on the coding strand, the complement: KCNQ2 is on the minus strand). VCF-style: chr20-63424183-G-C. GRCh37 (hg19) VCF-style: chr20-62055536-G-C.
Other names: c.1211C>G, p.Ser404Cys (NM_004518.6); c.1241C>G, p.Ser414Cys (NM_172106.3, NM_172108.5); short protein forms S414C, S404C.
Identifiers: ClinVar variation 449179 (VCV000449179.12), dbSNP rs1555859111, ClinGen allele CA409649184.